The following is an entry in ClinVar:

NM_004444.5(EPHB4):c.1125A>G (p.Gly375=)

Gene: EPHB4 (EPH receptor B4; minus strand). Cytogenetic location: 7q22.1.
Variant type: single nucleotide variant.
Coding change: c.1125A>G on transcript NM_004444.5 (MANE Select); coding-DNA position 1125, A replaced by G.
Protein change: p.Gly375=; no amino-acid change (glycine 375 retained).
Molecular consequence: synonymous variant.
Genome position (GRCh38, 1-based): chr7:100,819,729, T>C on the plus strand (A>G on the coding strand, the complement: EPHB4 is on the minus strand). VCF-style: chr7-100819729-T-C. GRCh37 (hg19) VCF-style: chr7-100417351-T-C.
Identifiers: ClinVar variation 3778606 (VCV003778606.7).
Genomic context (GRCh38, chr7:100,819,729, plus strand): 5'-CCCTCGAACCACCACCCAGGGCTCCACCAGGTCCCGGGGGCCGGGGTCAAAAGTCAGGTC[T>C]CCCCCGCAGGGCGCACAGGAGCCTCCGGGTCGGCACTCCCGGCAGCGGAGGGCGTAGGTG-3'
Protein context (NP_004435.3, residues 365-385): RPGGSCAPCG[Gly375=]DLTFDPGPRD

ClinVar aggregate classification (germline): Likely benign (1 of 4 stars; one submission).

Submission:

CeGaT Center for Human Genetics Tuebingen
Classification: Likely benign. Last evaluated: 2025-03-01. Review status: criteria provided, single submitter. Criteria: CeGaT Center For Human Genetics Tuebingen Variant Classification Criteria Version 2. Collection method: clinical testing. Allele origin: germline. Affected: yes. Observed: 1 variant allele.
Comment: EPHB4: PM2:Supporting, BP4, BP7